The following is an entry in ClinVar:

NM_033396.3(CNOT12):c.4383A>T (p.Ala1461=)

Gene: CNOT12 (CCR4-NOT transcription complex subunit 12; minus strand). Cytogenetic location: 11q12.1.
Variant type: single nucleotide variant.
Coding change: c.4383A>T on transcript NM_033396.3 (MANE Select); coding-DNA position 4383, A replaced by T.
Protein change: p.Ala1461=; no amino-acid change (alanine 1461 retained).
Molecular consequence: synonymous variant.
Genome position (GRCh38, 1-based): chr11:57,302,759, T>A on the plus strand (A>T on the coding strand, the complement: CNOT12 is on the minus strand). VCF-style: chr11-57302759-T-A. GRCh37 (hg19) VCF-style: chr11-57070233-T-A.
Identifiers: ClinVar variation 3234386 (VCV003234386.20), dbSNP rs1855547291, ClinGen allele CA474790438.
Genomic context (GRCh38, chr11:57,302,759, plus strand): 5'-CAGGCCCCCAAGGCCCGAGGCCGCTGACTCCCTCCGAGCCACCGCCTTGGAGCTGCTGGC[T>A]GCCAGCATCTCCTCCAGCAGGCCCTGGGAGCCGGAGGGTGGGGGGCGGGCCGGGCACCTG-3'
Protein context (NP_203754.2, residues 1451-1471): GSQGLLEEML[Ala1461=]ASSSKAVARR

ClinVar aggregate classification (germline): Likely benign (1 of 4 stars; one submission).

Submission:

CeGaT Center for Human Genetics Tuebingen
Classification: Likely benign. Last evaluated: 2024-03-01. Review status: criteria provided, single submitter. Criteria: CeGaT Center For Human Genetics Tuebingen Variant Classification Criteria Version 2. Collection method: clinical testing. Allele origin: germline. Affected: yes. Observed: 1 variant allele.
Comment: CNOT12: PM2:Supporting, BP4, BP7